The following is an entry in ClinVar:

NM_001363118.2(SLC52A2):c.343T>C (p.Leu115=)

Gene: SLC52A2 (solute carrier family 52 member 2; plus strand). Cytogenetic location: 8q24.3.
Variant type: single nucleotide variant.
Coding change: c.343T>C on transcript NM_001363118.2 (MANE Select); coding-DNA position 343, T replaced by C.
Protein change: p.Leu115=; no amino-acid change (leucine 115 retained).
Molecular consequence: synonymous variant. On other transcripts: non-coding transcript variant (1), intron variant (1).
Genome position (GRCh38, 1-based): chr8:144,359,835, T>C. VCF-style: chr8-144359835-T-C. GRCh37 (hg19) VCF-style: chr8-145583495-T-C.
Other names: c.343T>C, p.Leu115= (NM_001253815.2, NM_001253816.2, NM_001363120.2 and 2 more transcripts); c.131-280T>C (NM_001363122.2).
Identifiers: ClinVar variation 668272 (VCV000668272.4), dbSNP rs1586553840, ClinGen allele CA463549788.

ClinVar aggregate classification (germline): Likely benign. Review status: criteria provided, multiple submitters, no conflicts (2 of 4 stars). 2 submissions from 2 submitters: Likely benign (2). Last evaluated 2024-01-22.

Conditions:
Brown-Vialetto-van Laere syndrome 2. Also called: SPINOCEREBELLAR ATAXIA WITH BLINDNESS AND DEAFNESS 2; Riboflavin transporter deficiency type 2. Identifiers: Orphanet 572543, Orphanet 97229, MedGen C3553538, MONDO:0013867, OMIM 614707.

Submissions (2):

Labcorp Genetics (formerly Invitae), Labcorp
Classification: Likely benign for Brown-Vialetto-van Laere syndrome 2. Last evaluated: 2024-01-22. Review status: criteria provided, single submitter. Criteria: Invitae Variant Classification Sherloc (09022015). Collection method: clinical testing. Allele origin: germline.

GeneDx
Classification: Likely benign. Last evaluated: 2018-05-14. Review status: criteria provided, single submitter. Criteria: GeneDx Variant Classification (06012015). Collection method: clinical testing. Allele origin: germline. Affected: yes.
Comment: This variant is considered likely benign or benign based on one or more of the following criteria: it is a conservative change, it occurs at a poorly conserved position in the protein, it is predicted to be benign by multiple in silico algorithms, and/or has population frequency not consistent with disease.